The following is an entry in ClinVar:

NM_013318.4(PRRC2B):c.3322C>T (p.Arg1108Cys)

Gene: PRRC2B (proline rich coiled-coil 2B; plus strand). Cytogenetic location: 9q34.13.
Variant type: single nucleotide variant.
Coding change: c.3322C>T on transcript NM_013318.4 (MANE Select); coding-DNA position 3322, C replaced by T.
Protein change: p.Arg1108Cys; replaces arginine 1108 with cysteine.
Molecular consequence: missense variant. On other transcripts: intron variant (1).
Genome position (GRCh38, 1-based): chr9:131,475,451, C>T. VCF-style: chr9-131475451-C-T. GRCh37 (hg19) VCF-style: chr9-134350838-C-T.
Other names: c.3322C>T, p.Arg1108Cys (NM_001384818.1, NM_001384821.1, NM_001384822.1); c.2324+1727C>T (NM_001384823.1); short protein forms R1108C.
Identifiers: ClinVar variation 2659630 (VCV002659630.24), dbSNP rs373454097, ClinGen allele CA5292015.

ClinVar aggregate classification (germline): Benign (1 of 4 stars; one submission).

Allele frequency attached by ClinVar (database versions not stated): TOPMed 0.00008; ESP Exome Variant Server 0.00009; gnomAD 0.00013; gnomAD exomes 0.00021; 1000 Genomes Project 0.00040; ExAC 0.00045; 1000 Genomes Project 30x 0.00078.

Submission:

CeGaT Center for Human Genetics Tuebingen
Classification: Benign. Last evaluated: 2022-04-01. Review status: criteria provided, single submitter. Criteria: CeGaT Center For Human Genetics Tuebingen Variant Classification Criteria Version 2. Collection method: clinical testing. Allele origin: germline. Affected: yes. Observed: 1 variant allele.
Comment: PRRC2B: BS1, BS2